The following is an entry in ClinVar:

ClinVar aggregate classification (germline): Benign/Likely benign. Review status: criteria provided, multiple submitters, no conflicts (2 of 4 stars). 3 submissions from 3 submitters: Benign (1); Likely benign (2). Last evaluated 2026-06-11.

Conditions:
Tumor predisposition syndrome 2 (TPDS2). Also called: MBD4-ASSOCIATED NEOPLASIA SYNDROME; MBD4-Related Tumor Predisposition Syndrome; MBD4-associated neoplasia syndrome (MANS). Identifiers: Orphanet 661526, MedGen C5774186, MONDO:0859267, OMIM 619975.
Inborn genetic diseases. Identifiers: MedGen C0950123, MeSH D030342.

gnomAD v4.1: 24 of 1,614,028 alleles (0.0015%); highest among the groups gnomAD compares: South Asian, 0.026%; no homozygotes.

Submissions (3):

Myriad Genetics, Inc.
Classification: Benign for Tumor predisposition syndrome 2. Last evaluated: 2026-06-11. Review status: criteria provided, single submitter. Criteria: Myriad Autosomal Dominant, Autosomal Recessive and X-Linked Classification Criteria (2023). Collection method: clinical testing. Allele origin: unknown.
Comment: This variant is considered benign. This variant is a silent/synonymous amino acid change and it is not expected to impact splicing.

Labcorp Genetics (formerly Invitae), Labcorp
Classification: Likely benign. Last evaluated: 2025-12-15. Review status: criteria provided, single submitter. Criteria: Invitae Variant Classification Sherloc (09022015). Collection method: clinical testing. Allele origin: germline.

Ambry Genetics
Classification: Likely benign for Inborn genetic diseases. Last evaluated: 2024-12-02. Review status: criteria provided, single submitter. Criteria: Ambry Variant Classification Scheme 2023. Collection method: clinical testing. Allele origin: germline.

NM_001276270.2(MBD4):c.774T>C (p.Val258=)

Gene: MBD4 (methyl-CpG binding domain 4, DNA glycosylase; minus strand). Cytogenetic location: 3q21.3.
Variant type: single nucleotide variant.
Coding change: c.774T>C on transcript NM_001276270.2 (MANE Select); coding-DNA position 774, T replaced by C.
Protein change: p.Val258=; no amino-acid change (valine 258 retained).
Molecular consequence: synonymous variant. On other transcripts: intron variant (1).
Genome position (GRCh38, 1-based): chr3:129,436,870, A>G on the plus strand (T>C on the coding strand, the complement: MBD4 is on the minus strand). VCF-style: chr3-129436870-A-G. GRCh37 (hg19) VCF-style: chr3-129155713-A-G.
Other names: c.774T>C, p.Val258= (NM_001276271.2, NM_001276272.2, NM_003925.3); c.247+938T>C (NM_001276273.2).
Identifiers: ClinVar variation 3543795 (VCV003543795.4).